The following is an entry in ClinVar:

ClinVar aggregate classification (germline): Likely pathogenic (1 of 4 stars; one submission).

Conditions:
Kabuki syndrome 2 (KABUK2). Also called: KDM6A-Related Kabuki Syndrome. Identifiers: Orphanet 2322, MedGen C3275495, MONDO:0010465, OMIM 300867.

Submission:

Laboratorio de Genetica e Diagnostico Molecular, Hospital Israelita Albert Einstein
Classification: Likely pathogenic for Kabuki syndrome 2. Last evaluated: 2023-05-16. Review status: criteria provided, single submitter. Criteria: ACMG Guidelines, 2015. Collection method: clinical testing. Allele origin: germline. Affected: yes.
Comment: ACMG classification criteria: PVS1 very strong, PM2 moderate

NM_001291415.2(KDM6A):c.3804_3807delinsAATTCAGT (p.Asp1268fs)

Gene: KDM6A (lysine demethylase 6A; plus strand). Cytogenetic location: Xp11.3.
Variant type: Indel.
Coding change: c.3804_3807delinsAATTCAGT on transcript NM_001291415.2 (MANE Select); coding-DNA positions 3804 to 3807, TTTG replaced by AATTCAGT.
Protein change: p.Asp1268fs; shifts the reading frame from aspartic acid 1268.
Molecular consequence: frameshift variant. On other transcripts: non-coding transcript variant (1).
Genome position (GRCh38, 1-based): chrX:45,089,842-45,089,845, TTTG replaced by AATTCAGT. VCF-style: chrX-45089842-TTTG-AATTCAGT. GRCh37 (hg19) VCF-style: chrX-44949087-TTTG-AATTCAGT.
Other names: c.3669_3672delinsAATTCAGT, p.Asp1223fs (NM_001291416.2, NM_001419811.1); c.3513_3516delinsAATTCAGT, p.Asp1171fs (NM_001291417.2); c.3411_3414delinsAATTCAGT, p.Asp1137fs (NM_001291418.2, NM_001419815.1); c.2760_2763delinsAATTCAGT, p.Asp920fs (NM_001291421.2); c.3546_3549delinsAATTCAGT, p.Asp1182fs (NM_001410742.1, NM_001419814.1); c.3804_3807delinsAATTCAGT, p.Asp1268fs (NM_001419809.1); c.3702_3705delinsAATTCAGT, p.Asp1234fs (NM_001419810.1, NM_001419813.1); c.3648_3651delinsAATTCAGT, p.Asp1216fs (NM_021140.4, NM_001419812.1); short protein forms D1137fs, D1171fs, D1182fs, D1216fs, D1223fs, D1234fs, D1268fs, D920fs.
Identifiers: ClinVar variation 4056544 (VCV004056544.1).